The following is an entry in ClinVar:

ClinVar aggregate classification (germline): Pathogenic/Likely pathogenic. Review status: criteria provided, multiple submitters, no conflicts (2 of 4 stars). 2 submissions from 2 submitters: Pathogenic (1); Likely pathogenic (1). Last evaluated 2022-09-26.

Conditions:
Developmental delay with variable intellectual impairment and behavioral abnormalities. Identifiers: MedGen C5193092, MONDO:0032745, OMIM 618430.

Submissions (2):

GeneDx
Classification: Pathogenic. Last evaluated: 2022-09-26. Review status: criteria provided, single submitter. Criteria: GeneDx Variant Classification Process June 2021. Collection method: clinical testing. Allele origin: germline. Affected: yes.
Comment: Nonsense variant predicted to result in protein truncation or nonsense mediated decay in a gene for which loss-of-function is a known mechanism of disease; Not observed in large population cohorts (gnomAD); Has not been previously published as pathogenic or benign to our knowledge

Neuberg Centre For Genomic Medicine, NCGM
Classification: Likely pathogenic for Developmental delay with variable intellectual impairment and behavioral abnormalities. Review status: criteria provided, single submitter. Criteria: ACMG Guidelines, 2015. Collection method: clinical testing. Allele origin: germline. Affected: yes.
Comment: The stop gained p.W1861* in TCF20 (NM_001378418.1) has not been reported previously as a pathogenic variant nor as a benign variant, to our knowledge. The p.W1861* variant is novel (not in any individuals) in gnomAD Exomes and is novel (not in any individuals) in 1000 Genomes. This variant is predicted to cause loss of normal protein function through protein truncation. Loss of function variants have been previously reported to be disease causing. For these reasons, this variant has been classified as Likely Pathogenic.

NM_001378418.1(TCF20):c.5583G>A (p.Trp1861Ter)

Gene: TCF20 (transcription factor 20; minus strand). Cytogenetic location: 22q13.2.
Variant type: single nucleotide variant.
Coding change: c.5583G>A on transcript NM_001378418.1 (MANE Select); coding-DNA position 5583, G replaced by A.
Protein change: p.Trp1861Ter; replaces tryptophan 1861 with a stop codon.
Molecular consequence: nonsense.
Genome position (GRCh38, 1-based): chr22:42,209,723, C>T on the plus strand (G>A on the coding strand, the complement: TCF20 is on the minus strand). VCF-style: chr22-42209723-C-T. GRCh37 (hg19) VCF-style: chr22-42605729-C-T.
Other names: c.5583G>A, p.Trp1861Ter (NM_005650.4, NM_181492.3); short protein forms W1861*.
Identifiers: ClinVar variation 1339198 (VCV001339198.4), dbSNP rs2147193598, ClinGen allele CA411780496.